The following is an entry in ClinVar:

ClinVar aggregate classification (germline): Uncertain significance (1 of 4 stars; one submission).

Conditions:
Joubert syndrome 25 (JBTS25). Identifiers: Orphanet 475, MedGen C4084842, MONDO:0014770, OMIM 616781.

Submission:

Labcorp Genetics (formerly Invitae), Labcorp
Classification: Uncertain significance for Joubert syndrome 25. Last evaluated: 2021-10-10. Review status: criteria provided, single submitter. Criteria: Invitae Variant Classification Sherloc (09022015). Collection method: clinical testing. Allele origin: germline.
Comment: In summary, the available evidence is currently insufficient to determine the role of this variant in disease. Therefore, it has been classified as a Variant of Uncertain Significance. Algorithms developed to predict the effect of missense changes on protein structure and function (SIFT, PolyPhen-2, Align-GVGD) all suggest that this variant is likely to be disruptive. This variant has not been reported in the literature in individuals affected with CEP104-related conditions. This variant is not present in population databases (ExAC no frequency). This sequence change replaces glycine with arginine at codon 96 of the CEP104 protein (p.Gly96Arg). The glycine residue is highly conserved and there is a moderate physicochemical difference between glycine and arginine.

NM_014704.4(CEP104):c.286G>C (p.Gly96Arg)

Gene: CEP104 (centrosomal protein 104; minus strand). Cytogenetic location: 1p36.32.
Variant type: single nucleotide variant.
Coding change: c.286G>C on transcript NM_014704.4 (MANE Select); coding-DNA position 286, G replaced by C.
Protein change: p.Gly96Arg; replaces glycine 96 with arginine.
Molecular consequence: missense variant.
Genome position (GRCh38, 1-based): chr1:3,848,609, C>G on the plus strand (G>C on the coding strand, the complement: CEP104 is on the minus strand). VCF-style: chr1-3848609-C-G. GRCh37 (hg19) VCF-style: chr1-3765173-C-G.
Other names: short protein forms G96R.
Identifiers: ClinVar variation 1370737 (VCV001370737.6), dbSNP rs2124693275, ClinGen allele CA338048690.